The following is an entry in ClinVar:

NM_016035.5(COQ4):c.202G>C (p.Asp68His)

Gene: COQ4 (coenzyme Q4; plus strand). Cytogenetic location: 9q34.11.
Variant type: single nucleotide variant.
Coding change: c.202G>C on transcript NM_016035.5 (MANE Select); coding-DNA position 202, G replaced by C.
Protein change: p.Asp68His; replaces aspartic acid 68 with histidine.
Molecular consequence: missense variant.
Genome position (GRCh38, 1-based): chr9:128,323,147, G>C. VCF-style: chr9-128323147-G-C. GRCh37 (hg19) VCF-style: chr9-131085426-G-C.
Other names: p.Asp68His; c.202G>C, p.Gly68Arg (NM_001305942.2); short protein forms D68H, G68R.
Identifiers: ClinVar variation 267347 (VCV000267347.15), dbSNP rs758522459, ClinGen allele CA5260430.

ClinVar aggregate classification (germline): Pathogenic/Likely pathogenic. Review status: criteria provided, multiple submitters, no conflicts (2 of 4 stars). 6 submissions from 6 submitters: Pathogenic (2); Likely pathogenic (3). 1 of the submissions does not count toward it. Last evaluated 2025-11-11.

Conditions:
Neonatal encephalomyopathy-cardiomyopathy-respiratory distress syndrome. Also called: Coenzyme Q10 deficiency, primary, 7. Identifiers: Orphanet 457185, MedGen C5568562, MONDO:0014562, OMIM 616276.
Inborn genetic diseases. Identifiers: MedGen C0950123, MeSH D030342.

Allele frequency attached by ClinVar (database versions not stated): gnomAD exomes 0.00004; TOPMed 0.00009; ExAC 0.00003; gnomAD 0.00007.
gnomAD v4.1: 153 of 1,585,686 alleles (0.0096%); highest among the groups gnomAD compares: Admixed American, 0.013%; no homozygotes.

Submissions (6):

Dasa
Classification: Pathogenic. Last evaluated: 2025-11-11. Review status: criteria provided, single submitter. Criteria: DASA Assertion Criteria. Collection method: clinical testing. Allele origin: germline.
Comment: NM_016035.5(COQ4):c.202G>C (p.Asp68His) is a missense variant that results in the substitution of aspartic acid with histidine. Segregation evidence has been reported in affected families. This variant has been observed in affected individuals with related phenotype in a genotype context consistent with recessive disease (PMID: 26795593; PMID: 26185144; PMID: 27513193; PMID: 32718099). This variant has been recurrently observed in individuals with related phenotype (PMID: 26795593; PMID: 26185144; PMID: 27513193; PMID: 32718099). Multiple computational predictions support a deleterious effect on the gene or gene product. The variant is present at low frequency in population datasets. Based on the available data, this variant is classified as pathogenic.

Labcorp Genetics (formerly Invitae), Labcorp
Classification: Pathogenic for Neonatal encephalomyopathy-cardiomyopathy-respiratory distress syndrome. Last evaluated: 2025-10-29. Review status: criteria provided, single submitter. Criteria: Invitae Variant Classification Sherloc (09022015). Collection method: clinical testing. Allele origin: germline.
Comment: This sequence change replaces aspartic acid, which is acidic and polar, with histidine, which is basic and polar, at codon 68 of the COQ4 protein (p.Asp68His). This variant also falls at the last nucleotide of exon 2, which is part of the consensus splice site for this exon. This variant is present in population databases (rs758522459, gnomAD 0.01%). This missense change has been observed in individual(s) with clinical features of coenzyme Q10 deficiency and/or multiple congenital anomalies (PMID: 26185144, 26795593, 27513193, 32718099). In at least one individual the data is consistent with being in trans (on the opposite chromosome) from a pathogenic variant. It has also been observed to segregate with disease in related individuals. ClinVar contains an entry for this variant (Variation ID: 267347). An algorithm developed to predict the effect of missense changes on protein structure and function (PolyPhen-2) suggests that this variant is likely to be disruptive. Variants that disrupt the consensus splice site are a relatively common cause of aberrant splicing (PMID: 17576681, 9536098). Algorithms developed to predict the effect of sequence changes on RNA splicing suggest that this variant may disrupt the consensus splice site. For these reasons, this variant has been classified as Pathogenic.

Mayo Clinic Laboratories, Mayo Clinic
Classification: Likely pathogenic. Last evaluated: 2024-01-29. Review status: criteria provided, single submitter. Criteria: ACMG Guidelines, 2015. Collection method: clinical testing. Allele origin: germline. Observed: 2 variant alleles.
Comment: PM2, PM3_strong, PS4_moderate

Women's Health and Genetics/Laboratory Corporation of America, LabCorp
Classification: Likely pathogenic for Neonatal encephalomyopathy-cardiomyopathy-respiratory distress syndrome. Last evaluated: 2023-06-02. Review status: criteria provided, single submitter. Criteria: LabCorp Variant Classification Summary - May 2015. Collection method: clinical testing. Allele origin: germline.
Comment: Variant summary: COQ4 c.202G>C (p.Asp68His) results in a non-conservative amino acid change in the encoded protein sequence. Four of five in-silico tools predict a damaging effect of the variant on protein function. In addition, this variant is located at the last nucleotide of exon 2, and therefore can affect splicing. Several computational tools predict a significant impact on normal splicing: three predict the variant weakens a 5' donor site, and one predicts the variant has no significant impact on splicing. However, these predictions have yet to be confirmed by functional studies. The variant allele was found at a frequency of 4.3e-05 in 208574 control chromosomes (gnomAD). The available data on variant occurrences in the general population are insufficient to allow any conclusion about variant significance. c.202G>C has been reported in the literature in several compound heterozygous individuals, including two siblings, affected with Neonatal Encephalomyopathy-Cardiomyopathy Distress Syndrome (e.g., Chung_2015, Helbig_2016, Farwell-Hagman_2017, deCastro_2020). These data indicate that the variant is likely to be associated with disease. To our knowledge, no experimental evidence demonstrating an impact on protein function has been reported. The following publications have been ascertained in the context of this evaluation (PMID: 26185144, 27513193, 26795593, 32718099). Three ClinVar submitters (evaluation after 2014) have cited the variant, and all submitters classified the variant as pathogenic (n = 2) or likely pathogenic (n = 1). Based on the evidence outlined above, the variant was classified as likely pathogenic.

Ambry Genetics
Classification: Likely pathogenic for Inborn genetic diseases. Last evaluated: 2022-07-05. Review status: criteria provided, single submitter. Criteria: Ambry Variant Classification Scheme 2023. Collection method: clinical testing. Allele origin: germline.
Comment: The c.202G>C (p.D68H) alteration is located in exon 2 of the COQ4 gene. This alteration results from a G to C substitution at nucleotide position 202, causing the aspartic acid (D) at amino acid position 68 to be replaced by a histidine (H). Based on data from gnomAD, the C allele has an overall frequency of <0.01% (10/239964) total alleles studied. The highest observed frequency was 0.02% (1/6244) of Other alleles. This alteration has been detected in conjunction with a pathogenic COQ4 alteration in multiple individuals with COQ4-related primary coenzyme Q deficiency (Chung, 2015; Barbosa-Gouveia, 2021). This amino acid position is highly conserved in available vertebrate species. The in silico prediction for this alteration is inconclusive. Based on the available evidence, this alteration is classified as likely pathogenic.

OMIM
Classification: Pathogenic for COENZYME Q10 DEFICIENCY, PRIMARY, 7. Last evaluated: 2016-10-27. Review status: no assertion criteria provided. Collection method: literature only. Allele origin: germline. Not counted in ClinVar's aggregate classification.

Literature cited by the submitters: PubMed 26795593 (cited by 4 submitters); PubMed 26185144 (cited by 6 submitters); PubMed 27513193 (cited by 4 submitters); PubMed 32718099 (cited by 4 submitters); PubMed 17576681 (cited by Labcorp Genetics (formerly Invitae), Labcorp); PubMed 9536098 (cited by Labcorp Genetics (formerly Invitae), Labcorp); PubMed 28540186 (cited by Mayo Clinic Laboratories, Mayo Clinic); PubMed 33677064 (cited by Mayo Clinic Laboratories, Mayo Clinic); PubMed 34440436 (cited by Mayo Clinic Laboratories, Mayo Clinic and Ambry Genetics).